The following is an entry in ClinVar:

ClinVar aggregate classification (germline): Uncertain significance. Review status: criteria provided, multiple submitters, no conflicts (2 of 4 stars). 4 submissions from 4 submitters: Uncertain significance (4). Last evaluated 2025-10-03.

Conditions:
Spastic paraplegia. Identifiers: MedGen C0037772, HP:0001258.
Inborn genetic diseases. Identifiers: MedGen C0950123, MeSH D030342.

Allele frequency attached by ClinVar (database versions not stated): ExAC 0.00005; gnomAD exomes 0.00006; gnomAD 0.00010 and 0.00013; TOPMed 0.00019; 1000 Genomes Project 0.00040; 1000 Genomes Project 30x 0.00047.
gnomAD v4.1: 207 of 1,613,952 alleles (0.013%); highest among the groups gnomAD compares: Middle Eastern, 0.082%; no homozygotes.

Submissions (4):

Mayo Clinic Laboratories, Mayo Clinic
Classification: Uncertain significance. Last evaluated: 2025-10-03. Review status: criteria provided, single submitter. Criteria: ACMG Guidelines, 2015. Collection method: clinical testing. Allele origin: germline. Observed: 2 variant alleles.
Comment: BP4_moderate

GeneDx
Classification: Uncertain significance. Last evaluated: 2025-05-12. Review status: criteria provided, single submitter. Criteria: GeneDx Variant Classification Process June 2021. Collection method: clinical testing. Allele origin: germline. Affected: yes.
Comment: Not observed at significant frequency in large population cohorts (gnomAD); In silico analysis suggests that this missense variant does not alter protein structure/function; Has not been previously published as pathogenic or benign to our knowledge

Ambry Genetics
Classification: Uncertain significance for Inborn genetic diseases. Last evaluated: 2024-09-05. Review status: criteria provided, single submitter. Criteria: Ambry Variant Classification Scheme 2023. Collection method: clinical testing. Allele origin: germline.

Labcorp Genetics (formerly Invitae), Labcorp
Classification: Uncertain significance for Spastic paraplegia. Last evaluated: 2023-05-22. Review status: criteria provided, single submitter. Criteria: Invitae Variant Classification Sherloc (09022015). Collection method: clinical testing. Allele origin: germline.
Comment: In summary, the available evidence is currently insufficient to determine the role of this variant in disease. Therefore, it has been classified as a Variant of Uncertain Significance. Advanced modeling of protein sequence and biophysical properties (such as structural, functional, and spatial information, amino acid conservation, physicochemical variation, residue mobility, and thermodynamic stability) performed at Invitae indicates that this missense variant is not expected to disrupt GBA2 protein function. ClinVar contains an entry for this variant (Variation ID: 580695). This variant has not been reported in the literature in individuals affected with GBA2-related conditions. This variant is present in population databases (rs201219745, gnomAD 0.01%). This sequence change replaces aspartic acid, which is acidic and polar, with asparagine, which is neutral and polar, at codon 365 of the GBA2 protein (p.Asp365Asn).

NM_020944.3(GBA2):c.1093G>A (p.Asp365Asn)

Gene: GBA2 (glucosylceramidase beta 2; minus strand). Cytogenetic location: 9p13.3.
Variant type: single nucleotide variant.
Coding change: c.1093G>A on transcript NM_020944.3 (MANE Select); coding-DNA position 1093, G replaced by A.
Protein change: p.Asp365Asn; replaces aspartic acid 365 with asparagine.
Molecular consequence: missense variant.
Genome position (GRCh38, 1-based): chr9:35,740,562, C>T on the plus strand (G>A on the coding strand, the complement: GBA2 is on the minus strand). VCF-style: chr9-35740562-C-T. GRCh37 (hg19) VCF-style: chr9-35740559-C-T.
Other names: p.Asp365Asn; c.1093G>A, p.Asp365Asn (NM_001330660.2); short protein forms D365N.
Identifiers: ClinVar variation 580695 (VCV000580695.16), dbSNP rs201219745, ClinGen allele CA5050519.